The following is an entry in ClinVar:

NM_001148.6(ANK2):c.11716C>T (p.Arg3906Trp)

Gene: ANK2 (ankyrin 2; plus strand). Cytogenetic location: 4q26.
Variant type: single nucleotide variant.
Coding change: c.11716C>T on transcript NM_001148.6 (MANE Select); coding-DNA position 11716, C replaced by T.
Protein change: p.Arg3906Trp; replaces arginine 3906 with tryptophan.
Molecular consequence: missense variant. On other transcripts: intron variant (9).
Genome position (GRCh38, 1-based): chr4:113,373,306, C>T. VCF-style: chr4-113373306-C-T. GRCh37 (hg19) VCF-style: chr4-114294462-C-T.
Other names: p.R3906W:CGG>TGG; p.Arg1821Trp; c.5434C>T, p.Arg1812Trp (NM_001127493.3); c.5473C>T, p.Arg1825Trp (NM_001354225.2); c.5455C>T, p.Arg1819Trp (NM_001354228.2); c.5440C>T, p.Arg1814Trp (NM_001354230.2); c.5596C>T, p.Arg1866Trp (NM_001354231.2); c.5590C>T, p.Arg1864Trp (NM_001354232.2); and 54 more; short protein forms R1788W, R1812W, R1821W, R3906W, R1009W, R1721W, R1734W, R1746W.
Identifiers: ClinVar variation 18059 (VCV000018059.71), dbSNP rs121912706, ClinGen allele CA127768.

ClinVar aggregate classification (germline): Conflicting classifications of pathogenicity. Review status: criteria provided, conflicting classifications (1 of 4 stars). 16 submissions from 16 submitters: Uncertain significance (2); Benign (4); Likely benign (6). 4 of the submissions do not count toward it. Last evaluated 2026-07-01.

Conditions:
ANK2-related disorder. Also called: ANK2-related condition.
Cardiovascular phenotype. Identifiers: MedGen CN230736.
Cardiac arrhythmia. Also called: Arrhythmia; Cardiac rhythm disease. Identifiers: MedGen C0003811, MONDO:0007263, HP:0011675.
Long QT syndrome (LQTS). Identifiers: MedGen C0023976, MeSH D008133, MONDO:0002442. Disease mechanism: loss of function. Inheritance: Various modes of inheritance.
Cardiomyopathy (CMYO). Also called: Cardiomyopathies. Identifiers: Orphanet 167848, MedGen C0878544, MONDO:0004994, HP:0001638. Inheritance: Various modes of inheritance.
Long QT syndrome 4 (LQT4). Identifiers: Orphanet 101016, MedGen C1833154, MONDO:0800323.
Cardiac arrhythmia, ankyrin-B-related. Also called: ANKYRIN-B SYNDROME. Identifiers: Orphanet 101016, Orphanet 768, MedGen C1970119, MONDO:0010958, OMIM 600919.
Death in infancy. Identifiers: MedGen C1858430, HP:0001522.

Allele frequency attached by ClinVar (database versions not stated): 1000 Genomes Project 0.00060; gnomAD 0.00093 and 0.00094; gnomAD exomes 0.00102 and 0.00128; 1000 Genomes Project 30x 0.00078; ExAC 0.00112; TOPMed 0.00104.
gnomAD v4.1: 2,018 of 1,613,992 alleles (0.13%); highest among the groups gnomAD compares: Non-Finnish European, 0.15%; 1 homozygote.

Submissions (16):

CeGaT Center for Human Genetics Tuebingen
Classification: Benign. Last evaluated: 2026-07-01. Review status: criteria provided, single submitter. Criteria: CeGaT Center For Human Genetics Tuebingen Variant Classification Criteria Version 2. Collection method: clinical testing. Allele origin: germline. Affected: yes. Observed: 12 variant alleles.
Comment: ANK2: BS1, BS2

Labcorp Genetics (formerly Invitae), Labcorp
Classification: Likely benign for Long QT syndrome. Last evaluated: 2026-01-15. Review status: criteria provided, single submitter. Criteria: Invitae Variant Classification Sherloc (09022015). Collection method: clinical testing. Allele origin: germline.

Mayo Clinic Laboratories, Mayo Clinic
Classification: Likely benign. Last evaluated: 2025-09-17. Review status: criteria provided, single submitter. Criteria: ACMG Guidelines, 2015. Collection method: clinical testing. Allele origin: germline. Observed: 3 variant alleles.
Comment: BS1, BS4

Laboratory of Genetics, Children's Clinical University Hospital Latvia
Classification: Benign. Last evaluated: 2025-02-16. Review status: criteria provided, single submitter. Criteria: ACMG Guidelines, 2015. Collection method: clinical testing. Allele origin: germline. Affected: yes.

Blueprint Genetics
Classification: Likely benign. Last evaluated: 2024-11-22. Review status: criteria provided, single submitter. Criteria: ACMG Guidelines, 2015. Collection method: clinical testing. Allele origin: germline.

GeneDx
Classification: Likely benign. Last evaluated: 2023-06-01. Review status: criteria provided, single submitter. Criteria: GeneDx Variant Classification Process June 2021. Collection method: clinical testing. Allele origin: germline. Affected: yes.
Comment: See Variant Classification Assertion Criteria.

Ambry Genetics
Classification: Benign for Cardiovascular phenotype. Last evaluated: 2022-03-16. Review status: criteria provided, single submitter. Criteria: Ambry Variant Classification Scheme 2023. Collection method: clinical testing. Allele origin: germline.

Women's Health and Genetics/Laboratory Corporation of America, LabCorp
Classification: Benign. Last evaluated: 2019-04-08. Review status: criteria provided, single submitter. Criteria: LabCorp Variant Classification Summary - May 2015. Collection method: clinical testing. Allele origin: germline.
Comment: Variant summary: ANK2 c.11716C>T (p.Arg3906Trp) results in a non-conservative amino acid change in the encoded protein sequence. Five of five in-silico tools predict a damaging effect of the variant on protein function. The variant allele was found at a frequency of 0.0011 in 276816 control chromosomes, predominantly at a frequency of 0.0018 within the Non-Finnish European subpopulation in the gnomAD database, including 1 homozygote. The observed variant frequency within Non-Finnish European control individuals in the gnomAD database is approximately 270 fold of the estimated maximal expected allele frequency for a pathogenic variant in ANK2 causing Long QT Syndrome (LQTS) phenotype (6.7e-06), strongly suggesting that the variant is a benign polymorphism found primarily in populations of Non-Finnish European origin. This study predates the emergence of large control population datasets. Subsequently, c.11716C>T has been reported in the literature in individuals affected with LQTS and hypertrophic cardiomyopathy and also, in a stillbirth case (Sahlin_2019, Lopes_2015, Sherman_2015, Lieve_2013, Ng_2013). A co-occurrence with a pathogenic variant causative of LQT syndrome has been reported at our laboratory (KCNQ1, c.1663C>T, p.Arg555Cys), providing supporting evidence for a benign role. Experimental evidence evaluating an impact on protein function demonstrated the variant to abolish ability of ankyrin-B to restore abnormal calcium dynamics and abnormal localization and expression of Na/Ca exchanger, Na/K ATPase, and InsP3R in mouse cardiomyocytes (Mohler_2004). However, it is not evident how these outcomes correlate to incidence of disease in human. Four ClinVar submissions from clinical diagnostic laboratories (evaluation after 2014) cite the variant as likely benign (2x), uncertain significance (1x) and once as pathogenic. Based on the evidence outlined above, the variant was classified as benign.

Illumina Laboratory Services, Illumina
Classification: Uncertain significance for Cardiac arrhythmia, ankyrin-B-related. Last evaluated: 2017-04-27. Review status: criteria provided, single submitter. Criteria: ICSL Variant Classification Criteria 13 December 2019. Collection method: clinical testing. Allele origin: germline.
Comment: This variant was observed as part of a predisposition screen in an ostensibly healthy population. A literature search was performed for the gene, cDNA change, and amino acid change (where applicable). Publications were found based on this search. However, the evidence from the literature, in combination with allele frequency data from public databases where available, was not sufficient to rule this variant in or out of causing disease. Therefore, this variant is classified as a variant of unknown significance.

Center for Advanced Laboratory Medicine, UC San Diego Health, University of California San Diego
Classification: Likely benign for Cardiomyopathy. Last evaluated: 2017-03-17. Review status: criteria provided, single submitter. Criteria: ACMG Guidelines, 2015. Collection method: clinical testing. Allele origin: germline. Affected: yes. Observed: 1 variant allele.

Biesecker Lab/Clinical Genomics Section, National Institutes of Health
Classification: Likely benign for Cardiac arrhythmia. Last evaluated: 2013-06-24. Review status: criteria provided, single submitter. Criteria: Ng et al. (Circ Cardiovasc Genet. 2013). Collection method: research. Allele origin: unknown. Observed: 1 variant allele. Study: ClinSeq.
Comment: The study set was not selected for affection status in relation to any cancer. Pathogenicity categories were based on literature curation. See Pubmed ID:23861362 for details.

Medical sequencing

Center for Genomics, Ann and Robert H. Lurie Children's Hospital of Chicago
Classification: Uncertain significance for Cardiac arrhythmia, ankyrin-B-related. Review status: criteria provided, single submitter. Criteria: ACMG Guidelines, 2015. Collection method: clinical testing. Allele origin: germline.
Comment: ANK2 NM_001148.4 exon 45 p.Arg3906Trp (c.11716C>T): This variant has been reported in the literature in at least 7 individuals with syncope or clinical features of Long QT syndrome (Mohler 2004 PMID:15178757, Sherman 2005 PMID:16253912, Lieve 2013 PMID:2361430) as well as 1 infant with sudden death (Methner 2016 PMID:27435932). However, this variant is present in 0.1% (233/126380) of European alleles including 1 homozygote in the Genome Aggregation Database. This variant is present in ClinVar (Variation ID:18059). Evolutionary conservation and computational predictive tools for this variant are unclear. Functional studies using mouse cardiomyocytes have shown that this variant may impact the protein, potentially affecting cytoplasmic calcium release events and contraction rates, and may cause a loss of function (Mohler 2007 PMID:17242276). However, further studies are needed to understand its impact. In summary, due to conflicting evidence for this variant, the clinical significance of this variant is uncertain

PreventionGenetics, part of Exact Sciences
Classification: Likely benign for ANK2-related condition. Last evaluated: 2023-02-18. Review status: no assertion criteria provided. Collection method: clinical testing. Allele origin: germline. Not counted in ClinVar's aggregate classification.
Comment: This variant is classified as likely benign based on ACMG/AMP sequence variant interpretation guidelines (Richards et al. 2015 PMID: 25741868, with internal and published modifications).

Forensic Genetics Laboratory, Harris County Institute of Forensic Sciences
Classification: Pathogenic for Death in infancy. Last evaluated: 2015-03-27. Review status: no assertion criteria provided. Collection method: clinical testing. Allele origin: unknown. Affected: yes. Observed: 1 heterozygote. Study: HCIFS-Postmortem genetic screening project. Not counted in ClinVar's aggregate classification.

OMIM
Classification: Pathogenic for LONG QT SYNDROME 4. Last evaluated: 2004-06-15. Review status: no assertion criteria provided. Collection method: literature only. Allele origin: germline. Not counted in ClinVar's aggregate classification.

Cardiovascular Biomedical Research Unit, Royal Brompton & Harefield NHS Foundation Trust
No classification provided. Condition: Cardiac arrhythmia. Review status: no classification provided. Collection method: literature only. Allele origin: germline. Not counted in ClinVar's aggregate classification.
Comment: This variant has been reported as associated with Cardiac arrhythmia in the following publications (PMID:15178757). This is a literature report, and does not necessarily reflect the clinical interpretation of the Imperial College / Royal Brompton Cardiovascular Genetics laboratory.

Literature cited by the submitters: PubMed 15178757 (cited by 6 submitters); PubMed 16253912 (cited by Mayo Clinic Laboratories, Mayo Clinic and Women's Health and Genetics/Laboratory Corporation of America, LabCorp); PubMed 17940615 (cited by Mayo Clinic Laboratories, Mayo Clinic); PubMed 18782775 (cited by Mayo Clinic Laboratories, Mayo Clinic and Women's Health and Genetics/Laboratory Corporation of America, LabCorp); PubMed 24025405 (cited by Mayo Clinic Laboratories, Mayo Clinic); PubMed 26168218 (cited by Mayo Clinic Laboratories, Mayo Clinic); PubMed 27435932 (cited by Mayo Clinic Laboratories, Mayo Clinic and Forensic Genetics Laboratory, Harris County Institute of Forensic Sciences); PubMed 23861362 (cited by Women's Health and Genetics/Laboratory Corporation of America, LabCorp); PubMed 23631430 (cited by Women's Health and Genetics/Laboratory Corporation of America, LabCorp); PubMed 25351510 (cited by Women's Health and Genetics/Laboratory Corporation of America, LabCorp); PubMed 15075330 (cited by Women's Health and Genetics/Laboratory Corporation of America, LabCorp); PubMed 30615648 (cited by Women's Health and Genetics/Laboratory Corporation of America, LabCorp); PubMed 22581653 (cited by Cardiovascular Biomedical Research Unit, Royal Brompton & Harefield NHS Foundation Trust).